The following is an entry in ClinVar:

ClinVar aggregate classification (germline): Uncertain significance. Review status: criteria provided, multiple submitters, no conflicts (2 of 4 stars). 2 submissions from 2 submitters: Uncertain significance (2). Last evaluated 2025-10-02.

Conditions:
Atypical hemolytic-uremic syndrome. Identifiers: Orphanet 2134, MedGen C2931788, MONDO:0016244.

gnomAD v4.1: 12 of 1,613,250 alleles (0.00074%); highest among the groups gnomAD compares: East Asian, 0.02%; no homozygotes.

Submissions (2):

Genomenon, Inc
Classification: Uncertain significance for Atypical hemolytic-uremic syndrome. Last evaluated: 2025-10-02. Review status: criteria provided, single submitter. Criteria: Genomenon Sequence Variant Interpretation Standards. Collection method: curation. Allele origin: germline. Affected: yes.
Comment: CD46 p.Tyr29Ser (c.86A>C) is a missense variant that changes the amino acid at residue 29 from Tyrosine to Serine. This variant has been observed in at least one proband affected with atypical hemolytic-uremic syndrome (PMID:30905589). It is absent or not present at a significant frequency in gnomAD. In silico models agree that this variant is not damaging. In conclusion, we classify CD46 p.Tyr29Ser (c.86A>C) as a variant of uncertain significance.

Labcorp Genetics (formerly Invitae), Labcorp
Classification: Uncertain significance. Last evaluated: 2025-09-20. Review status: criteria provided, single submitter. Criteria: Invitae Variant Classification Sherloc (09022015). Collection method: clinical testing. Allele origin: germline.
Comment: This sequence change replaces tyrosine, which is neutral and polar, with serine, which is neutral and polar, at codon 29 of the CD46 protein (p.Tyr29Ser). This variant is present in population databases (rs756273271, gnomAD 0.02%). This missense change has been observed in individual(s) with hemolytic uremic syndrome (PMID: 30905589). Invitae Evidence Modeling of protein sequence and biophysical properties (such as structural, functional, and spatial information, amino acid conservation, physicochemical variation, residue mobility, and thermodynamic stability) indicates that this missense variant is not expected to disrupt CD46 protein function with a negative predictive value of 80%. In summary, the available evidence is currently insufficient to determine the role of this variant in disease. Therefore, it has been classified as a Variant of Uncertain Significance.

Literature cited by the submitters: PubMed 30905589 (cited by Genomenon, Inc and Labcorp Genetics (formerly Invitae), Labcorp).

NM_172351.3(CD46):c.86A>C (p.Tyr29Ser)

Genes: CD46 (CD46 molecule; plus strand), LOC129932405 (ATAC-STARR-seq lymphoblastoid active region 2449; plus strand). Cytogenetic location: 1q32.2.
Variant type: single nucleotide variant.
Coding change: c.86A>C on transcript NM_172351.3 (MANE Select); coding-DNA position 86, A replaced by C.
Protein change: p.Tyr29Ser; replaces tyrosine 29 with serine.
Molecular consequence: missense variant.
Genome position (GRCh38, 1-based): chr1:207,752,298, A>C. VCF-style: chr1-207752298-A-C. GRCh37 (hg19) VCF-style: chr1-207925643-A-C.
Other names: c.86A>C, p.Tyr29Ser (NM_002389.4, NM_153826.4, NM_172350.3 and 8 more transcripts); short protein forms Y29S.
Identifiers: ClinVar variation 4291235 (VCV004291235.2).